The following is an entry in ClinVar:

ClinVar aggregate classification (germline): Uncertain significance. Review status: criteria provided, multiple submitters, no conflicts (2 of 4 stars). 3 submissions from 3 submitters: Uncertain significance (3). Last evaluated 2025-07-13.

Conditions:
POLD1-related polyposis and colorectal cancer syndrome (CRCS10). Also called: Colorectal cancer 10; COLORECTAL CANCER, SUSCEPTIBILITY TO, ON CHROMOSOME 19q; Colorectal cancer, susceptibility to, 10. Identifiers: Orphanet 220460, MedGen C2675481, MONDO:0012953, OMIM 612591.
Hereditary cancer-predisposing syndrome. Also called: Tumor predisposition; Neoplastic Syndromes, Hereditary; Hereditary Cancer Syndrome; Hereditary neoplastic syndrome. Identifiers: Orphanet 140162, MedGen C0027672, MeSH D009386, MONDO:0015356.

Allele frequency attached by ClinVar (database versions not stated): gnomAD exomes below 0.00001.
gnomAD v4.1: 1 of 1,590,166 alleles (0.000063%); highest among the groups gnomAD compares: Non-Finnish European, 0.000086%; no homozygotes.

Submissions (3):

Labcorp Genetics (formerly Invitae), Labcorp
Classification: Uncertain significance for POLD1-related polyposis and colorectal cancer syndrome. Last evaluated: 2025-07-13. Review status: criteria provided, single submitter. Criteria: Invitae Variant Classification Sherloc (09022015). Collection method: clinical testing. Allele origin: germline.
Comment: This sequence change replaces serine, which is neutral and polar, with phenylalanine, which is neutral and non-polar, at codon 32 of the POLD1 protein (p.Ser32Phe). This variant is not present in population databases (gnomAD no frequency). This variant has not been reported in the literature in individuals affected with POLD1-related conditions. ClinVar contains an entry for this variant (Variation ID: 576588). An algorithm developed to predict the effect of missense changes on protein structure and function (PolyPhen-2) suggests that this variant is likely to be disruptive. In summary, the available evidence is currently insufficient to determine the role of this variant in disease. Therefore, it has been classified as a Variant of Uncertain Significance.

Ambry Genetics
Classification: Uncertain significance for Hereditary cancer-predisposing syndrome. Last evaluated: 2025-06-02. Review status: criteria provided, single submitter. Criteria: Ambry Variant Classification Scheme 2023. Collection method: clinical testing. Allele origin: germline.
Comment: The p.S32F variant (also known as c.95C>T), located in coding exon 1 of the POLD1 gene, results from a C to T substitution at nucleotide position 95. The serine at codon 32 is replaced by phenylalanine, an amino acid with highly dissimilar properties. This amino acid position is conserved. In addition, this alteration is predicted to be tolerated by in silico analysis. Since supporting evidence is limited at this time, the clinical significance of this alteration remains unclear.

GeneDx
Classification: Uncertain significance. Last evaluated: 2021-06-21. Review status: criteria provided, single submitter. Criteria: GeneDx Variant Classification Process June 2021. Collection method: clinical testing. Allele origin: germline. Affected: yes.
Comment: Not observed at significant frequency in large population cohorts (Lek et al., 2016); In silico analysis supports that this missense variant does not alter protein structure/function; Has not been previously published as pathogenic or benign to our knowledge; This variant is associated with the following publications: (PMID: 27535533)

NM_002691.4(POLD1):c.95C>T (p.Ser32Phe)

Gene: POLD1 (DNA polymerase delta 1, catalytic subunit; plus strand). Cytogenetic location: 19q13.33.
Variant type: single nucleotide variant.
Coding change: c.95C>T on transcript NM_002691.4 (MANE Select); coding-DNA position 95, C replaced by T.
Protein change: p.Ser32Phe; replaces serine 32 with phenylalanine.
Molecular consequence: missense variant. On other transcripts: non-coding transcript variant (1).
Genome position (GRCh38, 1-based): chr19:50,398,946, C>T. VCF-style: chr19-50398946-C-T. GRCh37 (hg19) VCF-style: chr19-50902203-C-T.
Other names: c.95C>T, p.Ser32Phe (NM_001256849.1, NM_001308632.1); short protein forms S32F.
Identifiers: ClinVar variation 576588 (VCV000576588.13), dbSNP rs959521780, ClinGen allele CA406970126.